The following is an entry in ClinVar:

NM_001267550.2(TTN):c.66846T>G (p.Tyr22282Ter)

Genes: TTN (titin; minus strand), TTN-AS1 (TTN antisense RNA 1; plus strand). Cytogenetic location: 2q31.2.
Variant type: single nucleotide variant.
Coding change: c.66846T>G on transcript NM_001267550.2 (MANE Select); coding-DNA position 66846, T replaced by G.
Protein change: p.Tyr22282Ter; replaces tyrosine 22282 with a stop codon.
Molecular consequence: nonsense.
Genome position (GRCh38, 1-based): chr2:178,580,533, A>C on the plus strand (T>G on the coding strand, the complement: TTN is on the minus strand). VCF-style: chr2-178580533-A-C. GRCh37 (hg19) VCF-style: chr2-179445260-A-C.
Other names: c.61923T>G, p.Tyr20641Ter (NM_001256850.1); c.39651T>G, p.Tyr13217Ter (NM_003319.4); c.59142T>G, p.Tyr19714Ter (NM_133378.4); c.40026T>G, p.Tyr13342Ter (NM_133432.3); c.40227T>G, p.Tyr13409Ter (NM_133437.4); short protein forms Y19714*, Y20641*, Y13342*, Y22282*, Y13217*, Y13409*.
Identifiers: ClinVar variation 1736548 (VCV001736548.5), dbSNP rs779240170, ClinGen allele CA349425756.

ClinVar aggregate classification (germline): Likely pathogenic. Review status: criteria provided, multiple submitters, no conflicts (2 of 4 stars). 2 submissions from 2 submitters: Likely pathogenic (2). Last evaluated 2024-08-02.

Conditions:
Cardiovascular phenotype. Identifiers: MedGen CN230736.
Autosomal recessive limb-girdle muscular dystrophy type 2J (LGMDR10). Also called: Limb-girdle muscular dystrophy, type 2J; MUSCULAR DYSTROPHY, LIMB-GIRDLE, AUTOSOMAL RECESSIVE 10. Identifiers: Orphanet 140922, MedGen C1837342, MONDO:0012127, OMIM 608807.
Dilated cardiomyopathy 1G (CMD1G). Identifiers: Orphanet 154, MedGen C1858763, MONDO:0011400, OMIM 604145.

Allele frequency attached by ClinVar (database versions not stated): gnomAD exomes below 0.00001.
gnomAD v4.1: 1 of 1,612,804 alleles (0.000062%); highest among the groups gnomAD compares: Admixed American, 0.0017%; no homozygotes.

Submissions (2):

Labcorp Genetics (formerly Invitae), Labcorp
Classification: Likely pathogenic for Dilated cardiomyopathy 1G; Autosomal recessive limb-girdle muscular dystrophy type 2J. Last evaluated: 2024-08-02. Review status: criteria provided, single submitter. Criteria: Invitae Variant Classification Sherloc (09022015). Collection method: clinical testing. Allele origin: germline.
Comment: This sequence change creates a premature translational stop signal (p.Tyr22282*) in the TTN gene. While this is not anticipated to result in nonsense mediated decay, it is expected to create a truncated TTN protein. This variant is present in population databases (no rsID available, gnomAD 0.003%). This variant has not been reported in the literature in individuals affected with TTN-related conditions. ClinVar contains an entry for this variant (Variation ID: 1736548). Algorithms developed to predict the effect of sequence changes on RNA splicing suggest that this variant may disrupt the consensus splice site. This variant is located in the A band of TTN (PMID: 25589632). Truncating variants in this region are significantly overrepresented in patients affected with dilated cardiomyopathy (PMID: 25589632). Truncating variants in this region have also been reported in individuals affected with autosomal recessive centronuclear myopathy (PMID: 23975875). In summary, the currently available evidence indicates that the variant is pathogenic, but additional data are needed to prove that conclusively. Therefore, this variant has been classified as Likely Pathogenic.

Ambry Genetics
Classification: Likely pathogenic for Cardiovascular phenotype. Last evaluated: 2019-08-16. Review status: criteria provided, single submitter. Criteria: Ambry Variant Classification Scheme 2023. Collection method: clinical testing. Allele origin: germline.
Comment: The p.Y13217* variant (also known as c.39651T>G), located in coding exon 144 of the TTN gene, results from a T to G substitution at nucleotide position 39651. This changes the amino acid from a tyrosine to a stop codon within coding exon 144. This exon is located in the A-band region of the N2-B isoform of the titin protein and is constitutively expressed in TTN transcripts (percent spliced in or PSI 100%). This alteration is expected to result in loss of function by premature protein truncation or nonsense-mediated mRNA decay. While truncating variants in TTN are present in 1-3% of the general population, truncating variants in the A-band are the most common cause of dilated cardiomyopathy (DCM) (Herman DS et al. N. Engl. J. Med., 2012 Feb;366:619-28; Roberts AM et al. Sci Transl Med, 2015 Jan;7:270ra6). TTN truncating variants encoded in constitutive exons (PSI >90%) have been found to be significantly associated with DCM regardless of their position in titin (Schafer S et al. Nat. Genet., 2017 01;49:46-53). As such, this alteration is classified as likely pathogenic.

Literature cited by the submitters: PubMed 25589632 (cited by Labcorp Genetics (formerly Invitae), Labcorp); PubMed 23975875 (cited by Labcorp Genetics (formerly Invitae), Labcorp).